The following is an entry in ClinVar:

ClinVar aggregate classification (germline): Likely benign (1 of 4 stars; one submission).

Conditions:
PCNT-related disorder. Also called: PCNT-related condition.

gnomAD v4.1: 2 of 1,614,186 alleles (0.00012%); highest among the groups gnomAD compares: African/African-American, 0.0013%; no homozygotes.

Submission:

PreventionGenetics, part of Exact Sciences
Classification: Likely benign for PCNT-related condition. Last evaluated: 2026-03-25. Review status: criteria provided, single submitter. Criteria: ACMG Guidelines, 2015. Collection method: clinical testing. Allele origin: germline.
Comment: This variant is classified as likely benign based on ACMG/AMP sequence variant interpretation guidelines (Richards et al. 2015 PMID: 25741868, with internal and published modifications).

NM_006031.6(PCNT):c.6312C>T (p.His2104=)

Gene: PCNT (pericentrin; plus strand). Cytogenetic location: 21q22.3.
Variant type: single nucleotide variant.
Coding change: c.6312C>T on transcript NM_006031.6 (MANE Select); coding-DNA position 6312, C replaced by T.
Protein change: p.His2104=; no amino-acid change (histidine 2104 retained).
Molecular consequence: synonymous variant.
Genome position (GRCh38, 1-based): chr21:46,416,230, C>T. VCF-style: chr21-46416230-C-T. GRCh37 (hg19) VCF-style: chr21-47836144-C-T.
Other names: c.5958C>T, p.His1986= (NM_001315529.2).
Identifiers: ClinVar variation 4991319 (VCV004991319.1).